The following is an entry in ClinVar:

ClinVar aggregate classification (germline): Uncertain significance (1 of 4 stars; one submission).

Conditions:
USP15-related disorder. Also called: USP15-related condition.

Submission:

PreventionGenetics, part of Exact Sciences
Classification: Uncertain significance for USP15-related condition. Last evaluated: 2025-10-26. Review status: criteria provided, single submitter. Criteria: ACMG Guidelines, 2015. Collection method: clinical testing. Allele origin: germline.
Comment: The USP15 c.684-2A>G variant is predicted to disrupt the AG splice acceptor site and interfere with normal splicing. To our knowledge, this variant has not been reported in the literature or in a large population database (gnomAD), indicating this variant is rare. At this time, the clinical significance of this variant is uncertain due to the absence of conclusive functional and genetic evidence.

NM_001252078.2(USP15):c.683+9231A>G

Gene: USP15 (ubiquitin specific peptidase 15; plus strand). Cytogenetic location: 12q14.1.
Variant type: single nucleotide variant.
Coding change: c.683+9231A>G on transcript NM_001252078.2 (MANE Select); 9231 bases into the intron after coding-DNA position 683, A replaced by G.
Molecular consequence: intron variant. On other transcripts: splice acceptor variant (1).
Genome position (GRCh38, 1-based): chr12:62,335,164, A>G. VCF-style: chr12-62335164-A-G. GRCh37 (hg19) VCF-style: chr12-62728945-A-G.
Other names: c.-463+9231A>G (NM_001351165.2, NM_001351166.2); c.320+9231A>G (NM_001351159.2); c.-376+9231A>G (NM_001351163.2); c.-315+9231A>G (NM_001351164.2); c.683+9231A>G (NM_006313.3); c.23+13555A>G (NM_001351160.2); c.684-2A>G (NM_001252079.2).
Identifiers: ClinVar variation 4991581 (VCV004991581.1).
Genomic context (GRCh38, chr12:62,335,164, plus strand): 5'-AAGTGGTTTGATGTCTAGTTAATGTATGATATTCTTAGCACTTTTTTTTCTCCTTTTTCT[A>G]GAAAGCCACTAGAGCAGAGTTGCTAGTGAACAGTTTAATTTCCACATACGTCACAGAAAG-3'